The following is an entry in ClinVar:

ClinVar aggregate classification (germline): Likely pathogenic (1 of 4 stars; one submission).

Conditions:
Hereditary spastic paraplegia 63. Also called: Spastic paraplegia 63, autosomal recessive. Identifiers: Orphanet 401805, MedGen C3810295, MONDO:0014305, OMIM 615686.

Submissions (2):

Dubai Health Genomic Medicine Center, Dubai Health
Classification: Likely pathogenic for Spastic paraplegia 63, autosomal recessive. Last evaluated: 2024-10-04. Review status: criteria provided, single submitter. Criteria: ACMG Guidelines, 2015. Collection method: research. Allele origin: germline. Affected: yes.
Comment: PS3,PP1,PM2,PP3

Dr. Peter K. Rogan Lab, Western University
No classification provided (evidence only). Condition: Gastric cancer. Review status: no classification provided. Collection method: in vitro. Allele origin: not applicable. Functional consequence: retained intron. Not counted in ClinVar's aggregate classification.

NM_001368809.2(AMPD2):c.1471G>A (p.Gly491Arg)

Genes: AMPD2 (adenosine monophosphate deaminase 2; plus strand), LOC126805822 (BRD4-independent group 4 enhancer GRCh37_chr1:110170748-110171947; plus strand). Cytogenetic location: 1p13.3.
Variant type: single nucleotide variant.
Coding change: c.1471G>A on transcript NM_001368809.2 (MANE Select); coding-DNA position 1471, G replaced by A.
Protein change: p.Gly491Arg; replaces glycine 491 with arginine.
Molecular consequence: missense variant.
Genome position (GRCh38, 1-based): chr1:109,628,706, G>A. VCF-style: chr1-109628706-G-A. GRCh37 (hg19) VCF-style: chr1-110171328-G-A.
Other names: NC_000001.10:g.110171328G>A; c.1279G>A, p.Gly427Arg (NM_001257361.2); c.1408G>A, p.Gly470Arg (NM_001308170.1); c.1471G>A, p.Gly491Arg (NM_004037.9); c.1390G>A, p.Gly464Arg (NM_139156.4); short protein forms G427R, G464R, G470R, G491R.
Identifiers: ClinVar variation 3384023 (VCV003384023.2).